The following is an entry in ClinVar:

ClinVar aggregate classification (germline): Likely benign. Review status: criteria provided, single submitter (1 of 4 stars). 2 submissions from 2 submitters: Likely benign (1). 1 of the submissions does not count toward it.

Conditions:
VIL1-related disorder. Also called: VIL1-related condition.

Allele frequency attached by ClinVar (database versions not stated): ExAC 0.00015; ESP Exome Variant Server 0.00015; 1000 Genomes Project 30x 0.00016; 1000 Genomes Project 0.00020; TOPMed 0.00034; gnomAD 0.00036.
gnomAD v4.1: 134 of 1,608,956 alleles (0.0083%); highest among the groups gnomAD compares: African/African-American, 0.12%; no homozygotes.

Submissions (2):

Breakthrough Genomics
Classification: Likely benign. Review status: criteria provided, single submitter. Criteria: ACMG Guidelines, 2015. Collection method: not provided. Allele origin: germline. Inheritance: Unknown mechanism. Affected: yes.

PreventionGenetics, part of Exact Sciences
Classification: Likely benign for VIL1-related condition. Last evaluated: 2019-04-08. Review status: no assertion criteria provided. Collection method: clinical testing. Allele origin: germline. Not counted in ClinVar's aggregate classification.
Comment: This variant is classified as likely benign based on ACMG/AMP sequence variant interpretation guidelines (Richards et al. 2015 PMID: 25741868, with internal and published modifications).

NM_007127.3(VIL1):c.2229+8C>T

Gene: VIL1 (villin 1; plus strand). Cytogenetic location: 2q35.
Variant type: single nucleotide variant.
Coding change: c.2229+8C>T on transcript NM_007127.3 (MANE Select); 8 bases into the intron after coding-DNA position 2229, C replaced by T.
Molecular consequence: intron variant.
Genome position (GRCh38, 1-based): chr2:218,438,734, C>T. VCF-style: chr2-218438734-C-T. GRCh37 (hg19) VCF-style: chr2-219303457-C-T.
Identifiers: ClinVar variation 3042668 (VCV003042668.3), dbSNP rs371843905, ClinGen allele CA2106724.